The following is an entry in ClinVar:

NM_006180.6(NTRK2):c.360-8C>T

Gene: NTRK2 (neurotrophic receptor tyrosine kinase 2; plus strand). Cytogenetic location: 9q21.33.
Variant type: single nucleotide variant.
Coding change: c.360-8C>T on transcript NM_006180.6 (MANE Select); 8 bases into the intron before coding-DNA position 360, C replaced by T.
Molecular consequence: intron variant.
Genome position (GRCh38, 1-based): chr9:84,707,836, C>T. VCF-style: chr9-84707836-C-T. GRCh37 (hg19) VCF-style: chr9-87322751-C-T.
Other names: c.360-8C>T (NM_001369532.1, NM_001369533.1, NM_001018066.3 and 19 more transcripts); c.-109-8C>T (NM_001369536.1, NM_001369535.1, NM_001369550.1 and 2 more transcripts).
Identifiers: ClinVar variation 1926994 (VCV001926994.7), dbSNP rs757409113, ClinGen allele CA5105481.

ClinVar aggregate classification (germline): Likely benign. Review status: criteria provided, multiple submitters, no conflicts (2 of 4 stars). 3 submissions from 3 submitters: Likely benign (2). 1 of the submissions does not count toward it. Last evaluated 2025-09-02.

Conditions:
NTRK2-related disorder. Also called: NTRK2-related condition.

Allele frequency attached by ClinVar (database versions not stated): ExAC 0.00002; TOPMed 0.00002.
gnomAD v4.1: 22 of 1,607,484 alleles (0.0014%); highest among the groups gnomAD compares: Non-Finnish European, 0.0018%; no homozygotes.

Submissions (3):

Labcorp Genetics (formerly Invitae), Labcorp
Classification: Likely benign. Last evaluated: 2025-09-02. Review status: criteria provided, single submitter. Criteria: Invitae Variant Classification Sherloc (09022015). Collection method: clinical testing. Allele origin: germline.

Blueprint Genetics
Classification: Likely benign. Last evaluated: 2020-11-18. Review status: criteria provided, single submitter. Criteria: ACMG Guidelines, 2015. Collection method: clinical testing. Allele origin: germline.

PreventionGenetics, part of Exact Sciences
Classification: Likely benign for NTRK2-related condition. Last evaluated: 2023-05-02. Review status: no assertion criteria provided. Collection method: clinical testing. Allele origin: germline. Not counted in ClinVar's aggregate classification.
Comment: This variant is classified as likely benign based on ACMG/AMP sequence variant interpretation guidelines (Richards et al. 2015 PMID: 25741868, with internal and published modifications).